The following is an entry in ClinVar:

ClinVar aggregate classification (germline): Likely pathogenic (1 of 4 stars; one submission).

Conditions:
PMM2-congenital disorder of glycosylation. Also called: CDG Ia; PMM2-CDG; JAEKEN SYNDROME; PHOSPHOMANNOMUTASE 2 DEFICIENCY; CARBOHYDRATE-DEFICIENT GLYCOPROTEIN SYNDROME, TYPE Ia; Congenital disorder of glycosylation, type Ia. Identifiers: Orphanet 79318, MedGen C0349653, MONDO:0008907, OMIM 212065.

gnomAD v4.1: 1 of 1,613,640 alleles (0.000062%); highest among the groups gnomAD compares: Non-Finnish European, 0.000085%; no homozygotes.

Submission:

Labcorp Genetics (formerly Invitae), Labcorp
Classification: Likely pathogenic for PMM2-congenital disorder of glycosylation. Last evaluated: 2025-12-13. Review status: criteria provided, single submitter. Criteria: Invitae Variant Classification Sherloc (09022015). Collection method: clinical testing. Allele origin: germline.
Comment: This sequence change replaces arginine, which is basic and polar, with serine, which is neutral and polar, at codon 239 of the PMM2 protein (p.Arg239Ser). This variant is not present in population databases (gnomAD no frequency). This variant has not been reported in the literature in individuals affected with PMM2-related conditions. ClinVar contains an entry for this variant (Variation ID: 3017548). Invitae Evidence Modeling of protein sequence and biophysical properties (such as structural, functional, and spatial information, amino acid conservation, physicochemical variation, residue mobility, and thermodynamic stability) indicates that this missense variant is expected to disrupt PMM2 protein function with a positive predictive value of 95%. This variant disrupts the p.Arg239 amino acid residue in PMM2. Other variant(s) that disrupt this residue have been determined to be pathogenic (PMID: 11156536, 28425223). This suggests that this residue is clinically significant, and that variants that disrupt this residue are likely to be disease-causing. In summary, the currently available evidence indicates that the variant is pathogenic, but additional data are needed to prove that conclusively. Therefore, this variant has been classified as Likely Pathogenic.

Literature cited by the submitters: PubMed 11156536; PubMed 28425223.

NM_000303.3(PMM2):c.717G>C (p.Arg239Ser)

Gene: PMM2 (phosphomannomutase 2; plus strand). Cytogenetic location: 16p13.2.
Variant type: single nucleotide variant.
Coding change: c.717G>C on transcript NM_000303.3 (MANE Select); coding-DNA position 717, G replaced by C.
Protein change: p.Arg239Ser; replaces arginine 239 with serine.
Molecular consequence: missense variant.
Genome position (GRCh38, 1-based): chr16:8,847,801, G>C. VCF-style: chr16-8847801-G-C. GRCh37 (hg19) VCF-style: chr16-8941658-G-C.
Other names: short protein forms R239S.
Identifiers: ClinVar variation 3017548 (VCV003017548.3), dbSNP rs780441704, ClinGen allele CA394689678.